The following is an entry in ClinVar:

ClinVar aggregate classification (germline): Uncertain significance (1 of 4 stars; one submission).

Conditions:
Neurofibromatosis, type 1 (NF1). Also called: Neurofibromatosis, type I; VON RECKLINGHAUSEN DISEASE; NEUROFIBROMATOSIS, TYPE I, SOMATIC; Peripheral type neurofibromatosis. Identifiers: Orphanet 636, MedGen C0027831, MONDO:0018975, OMIM 162200. Disease mechanism: loss of function.

Submission:

Labcorp Genetics (formerly Invitae), Labcorp
Classification: Uncertain significance for Neurofibromatosis, type 1. Last evaluated: 2025-12-31. Review status: criteria provided, single submitter. Criteria: Invitae Variant Classification Sherloc (09022015). Collection method: clinical testing. Allele origin: germline.
Comment: This sequence change replaces alanine, which is neutral and non-polar, with valine, which is neutral and non-polar, at codon 1098 of the NF1 protein (p.Ala1098Val). This variant is not present in population databases (gnomAD no frequency). This variant has not been reported in the literature in individuals affected with NF1-related conditions. ClinVar contains an entry for this variant (Variation ID: 1722273). Invitae Evidence Modeling of protein sequence and biophysical properties (such as structural, functional, and spatial information, amino acid conservation, physicochemical variation, residue mobility, and thermodynamic stability) indicates that this missense variant is expected to disrupt NF1 protein function with a positive predictive value of 95%. In summary, the available evidence is currently insufficient to determine the role of this variant in disease. Therefore, it has been classified as a Variant of Uncertain Significance.

NM_001042492.3(NF1):c.3293C>T (p.Ala1098Val)

Gene: NF1 (neurofibromin 1; plus strand). Cytogenetic location: 17q11.2.
Variant type: single nucleotide variant.
Coding change: c.3293C>T on transcript NM_001042492.3 (MANE Select); coding-DNA position 3293, C replaced by T.
Protein change: p.Ala1098Val; replaces alanine 1098 with valine.
Molecular consequence: missense variant.
Genome position (GRCh38, 1-based): chr17:31,232,168, C>T. VCF-style: chr17-31232168-C-T. GRCh37 (hg19) VCF-style: chr17-29559186-C-T.
Other names: c.3293C>T, p.Ala1098Val (NM_000267.4); short protein forms A1098V.
Identifiers: ClinVar variation 1722273 (VCV001722273.5), dbSNP rs2151433868, ClinGen allele CA398988897.